The following is an entry in ClinVar:

ClinVar aggregate classification (germline): Uncertain significance (1 of 4 stars; one submission).

Submission:

Labcorp Genetics (formerly Invitae), Labcorp
Classification: Uncertain significance. Last evaluated: 2024-09-30. Review status: criteria provided, single submitter. Criteria: Invitae Variant Classification Sherloc (09022015). Collection method: clinical testing. Allele origin: germline.
Comment: This sequence change falls in intron 15 of the PLEKHM2 gene. It does not directly change the encoded amino acid sequence of the PLEKHM2 protein. Information on the frequency of this variant in the gnomAD database is not available, as this variant may be reported differently in the database. This variant has not been reported in the literature in individuals affected with PLEKHM2-related conditions. ClinVar contains an entry for this variant (Variation ID: 2198883). Experimental studies and prediction algorithms are not available or were not evaluated, and the effect of this variant on mRNA splicing is currently unknown. In summary, the available evidence is currently insufficient to determine the role of this variant in disease. Therefore, it has been classified as a Variant of Uncertain Significance.

NM_015164.4(PLEKHM2):c.2400-10_2400-9delinsAA

Gene: PLEKHM2 (pleckstrin homology and RUN domain containing M2; plus strand). Cytogenetic location: 1p36.21.
Variant type: Indel.
Coding change: c.2400-10_2400-9delinsAA on transcript NM_015164.4 (MANE Select); 10 bases into the intron before coding-DNA position 2400 through 9 bases into the intron before coding-DNA position 2400, GC replaced by AA.
Molecular consequence: intron variant.
Genome position (GRCh38, 1-based): chr1:15,731,182-15,731,183, GC replaced by AA. VCF-style: chr1-15731182-GC-AA. GRCh37 (hg19) VCF-style: chr1-16057677-GC-AA.
Identifiers: ClinVar variation 2198883 (VCV002198883.4), dbSNP rs2522469360, ClinGen allele CA2580060591.